The following is an entry in ClinVar:

ClinVar aggregate classification (germline): Uncertain significance (0 of 4 stars; one submission).

Conditions:
WASF1-related disorder. Also called: WASF1-related condition.

Submission:

PreventionGenetics, part of Exact Sciences
Classification: Uncertain significance for WASF1-related condition. Last evaluated: 2024-05-08. Review status: no assertion criteria provided. Collection method: clinical testing. Allele origin: germline.
Comment: The WASF1 c.1375C>G variant is predicted to result in the amino acid substitution p.Pro459Ala. To our knowledge, this variant has not been reported in the literature or in a large population database, indicating this variant is rare. At this time, the clinical significance of this variant is uncertain due to the absence of conclusive functional and genetic evidence.

NM_003931.3(WASF1):c.1375C>G (p.Pro459Ala)

Gene: WASF1 (WASP family member 1; minus strand). Cytogenetic location: 6q21.
Variant type: single nucleotide variant.
Coding change: c.1375C>G on transcript NM_003931.3 (MANE Select); coding-DNA position 1375, C replaced by G.
Protein change: p.Pro459Ala; replaces proline 459 with alanine.
Molecular consequence: missense variant.
Genome position (GRCh38, 1-based): chr6:110,101,735, G>C on the plus strand (C>G on the coding strand, the complement: WASF1 is on the minus strand). VCF-style: chr6-110101735-G-C. GRCh37 (hg19) VCF-style: chr6-110422938-G-C.
Other names: c.1375C>G, p.Pro459Ala (NM_001024934.2, NM_001024935.2, NM_001024936.2); short protein forms P459A.
Identifiers: ClinVar variation 3346532 (VCV003346532.1).
Genomic context (GRCh38, chr6:110,101,735, plus strand): 5'-TAACTTGTGATGGAGGAGATGGAGGCATTAATGGAACATGGGGACCTGGGGCAGTAGATG[G>C]AGTTGGATGTAGCCCAGAGGGAGGATGAGCAAGAGCTGTAACTGTGACAGGTGATGATGG-3'
Protein context (NP_003922.1, residues 449-469): AHPPSGLHPT[Pro459Ala]STAPGPHVPL